The following is an entry in ClinVar:

ClinVar aggregate classification (germline): Likely benign (1 of 4 stars; one submission).

Submission:

GeneDx
Classification: Likely benign. Last evaluated: 2017-02-15. Review status: criteria provided, single submitter. Criteria: GeneDx Variant Classification (06012015). Collection method: clinical testing. Allele origin: germline. Affected: yes.
Comment: This variant is considered likely benign or benign based on one or more of the following criteria: it is a conservative change, it occurs at a poorly conserved position in the protein, it is predicted to be benign by multiple in silico algorithms, and/or has population frequency not consistent with disease.

NM_005465.7(AKT3):c.429+8A>G

Gene: AKT3 (AKT serine/threonine kinase 3; minus strand). Cytogenetic location: 1q44.
Variant type: single nucleotide variant.
Coding change: c.429+8A>G on transcript NM_005465.7 (MANE Select); 8 bases into the intron after coding-DNA position 429, A replaced by G.
Molecular consequence: intron variant.
Genome position (GRCh38, 1-based): chr1:243,645,885, T>C on the plus strand (A>G on the coding strand, the complement: AKT3 is on the minus strand). VCF-style: chr1-243645885-T-C. GRCh37 (hg19) VCF-style: chr1-243809187-T-C.
Other names: c.429+8A>G (NM_181690.2, NM_001370074.1, NM_001206729.2).
Identifiers: ClinVar variation 507447 (VCV000507447.1), dbSNP rs1553423437, ClinGen allele CA658795658.